The following is an entry in ClinVar:

NM_031885.5(BBS2):c.1356_1357insTCAA (p.Val453fs)

Gene: BBS2 (Bardet-Biedl syndrome 2; minus strand). Cytogenetic location: 16q13.
Variant type: Insertion.
Coding change: c.1356_1357insTCAA on transcript NM_031885.5 (MANE Select); coding-DNA positions 1356 to 1357, TCAA inserted.
Protein change: p.Val453fs; shifts the reading frame from valine 453.
Molecular consequence: frameshift variant. On other transcripts: non-coding transcript variant (2).
Genome position: GRCh38 VCF-style: chr16-56500894-C-CTTGA. GRCh37 (hg19) VCF-style: chr16-56534806-C-CTTGA.
Other names: c.1356_1357insTCAA, p.Val453fs (NM_001377456.1); short protein forms V453fs.
Identifiers: ClinVar variation 5012829 (VCV005012829.1).
Genomic context (GRCh38, chr16:56,500,894, plus strand): 5'-TGTGACTTGCAAAGGGTCACCTGCTTCTGTAACCCACGAATGCCTTCAAGTGCAGATCCA[C>CTTGA]AGGGACATCTTTGGGAGGCACAATAGGGATGCAGATGGAACTGGAGAGGTTGTGAATGCT-3'

ClinVar aggregate classification (germline): Pathogenic (1 of 4 stars; one submission).

Conditions:
BBS2-related ciliopathy. Identifiers: MedGen CN378634, MONDO:1040048.

Submission:

Myriad Genetics, Inc.
Classification: Pathogenic for BBS2-related ciliopathy. Last evaluated: 2024-03-18. Review status: criteria provided, single submitter. Criteria: Myriad Autosomal Dominant, Autosomal Recessive and X-Linked Classification Criteria (2023). Collection method: clinical testing. Allele origin: unknown.
Comment: NM_031885.3(BBS2):c.1356_1357insTCAA(V453Sfs*22) is expected to be pathogenic in the context of Bardet-Biedl syndrome, BBS2-related. This variant is predicted to lead to an abnormal or absent protein product due to the creation of a premature termination codon in BBS2, a gene where loss-of-function variants are known to be pathogenic. Please note: this variant was assessed in the context of healthy population screening.